The following is an entry in ClinVar:

NM_173495.3(PTCHD1):c.956A>G (p.Asn319Ser)

Gene: PTCHD1 (patched domain containing 1; plus strand). Cytogenetic location: Xp22.11.
Variant type: single nucleotide variant.
Coding change: c.956A>G on transcript NM_173495.3 (MANE Select); coding-DNA position 956, A replaced by G.
Protein change: p.Asn319Ser; replaces asparagine 319 with serine.
Molecular consequence: missense variant.
Genome position (GRCh38, 1-based): chrX:23,380,195, A>G. VCF-style: chrX-23380195-A-G. GRCh37 (hg19) VCF-style: chrX-23398312-A-G.
Other names: short protein forms N319S.
Identifiers: ClinVar variation 1311749 (VCV001311749.2), dbSNP rs773352412, ClinGen allele CA10369092.

ClinVar aggregate classification (germline): Uncertain significance (1 of 4 stars; one submission).

Allele frequency attached by ClinVar (database versions not stated): gnomAD exomes below 0.00001 and 0.00001; ExAC 0.00001.
gnomAD v4.1: 1 of 1,210,991 alleles (0.000083%); highest among the groups gnomAD compares: South Asian, 0.0018%; no homozygotes.

Submission:

GeneDx
Classification: Uncertain significance. Last evaluated: 2020-01-15. Review status: criteria provided, single submitter. Criteria: GeneDx Variant Classification Process June 2021. Collection method: clinical testing. Allele origin: germline. Affected: yes.
Comment: Not observed at a significant frequency in large population cohorts (Lek et al., 2016); In silico analysis, which includes protein predictors and evolutionary conservation, supports that this variant does not alter protein structure/function; Has not been previously published as pathogenic or benign to our knowledge